The following is an entry in ClinVar:

ClinVar aggregate classification (germline): Conflicting classifications of pathogenicity. Review status: criteria provided, conflicting classifications (1 of 4 stars). 2 submissions from 2 submitters: Uncertain significance (1); Likely benign (1). Last evaluated 2026-07-01.

Conditions:
Inborn genetic diseases. Identifiers: MedGen C0950123, MeSH D030342.

Allele frequency attached by ClinVar (database versions not stated): gnomAD 0.00002; TOPMed 0.00003.
gnomAD v4.1: 6 of 1,613,206 alleles (0.00037%); highest among the groups gnomAD compares: Admixed American, 0.005%; no homozygotes.

Submissions (2):

CeGaT Center for Human Genetics Tuebingen
Classification: Likely benign. Last evaluated: 2026-07-01. Review status: criteria provided, single submitter. Criteria: CeGaT Center For Human Genetics Tuebingen Variant Classification Criteria Version 2. Collection method: clinical testing. Allele origin: germline. Affected: yes. Observed: 1 variant allele.
Comment: SPEN: BP4

Ambry Genetics
Classification: Uncertain significance for Inborn genetic diseases. Last evaluated: 2022-07-12. Review status: criteria provided, single submitter. Criteria: Ambry Variant Classification Scheme 2023. Collection method: clinical testing. Allele origin: germline.

NM_015001.3(SPEN):c.7586C>A (p.Thr2529Asn)

Gene: SPEN (spen family transcriptional repressor; plus strand). Cytogenetic location: 1p36.13.
Variant type: single nucleotide variant.
Coding change: c.7586C>A on transcript NM_015001.3 (MANE Select); coding-DNA position 7586, C replaced by A.
Protein change: p.Thr2529Asn; replaces threonine 2529 with asparagine.
Molecular consequence: missense variant.
Genome position (GRCh38, 1-based): chr1:15,933,826, C>A. VCF-style: chr1-15933826-C-A. GRCh37 (hg19) VCF-style: chr1-16260321-C-A.
Other names: short protein forms T2529N.
Identifiers: ClinVar variation 2300976 (VCV002300976.3), dbSNP rs1377722114, ClinGen allele CA338645377.